The following is an entry in ClinVar:

ClinVar aggregate classification (germline): Pathogenic (1 of 4 stars; one submission).

Conditions:
Familial hemophagocytic lymphohistiocytosis 2 (FHL2). Also called: PRF1-Related Familial Hemophagocytic Lymphohistiocytosis (PRF1-fHLH). Identifiers: Orphanet 540, MedGen C1863727, MONDO:0011337, OMIM 603553.

Submission:

Labcorp Genetics (formerly Invitae), Labcorp
Classification: Pathogenic for Familial hemophagocytic lymphohistiocytosis 2. Last evaluated: 2023-01-31. Review status: criteria provided, single submitter. Criteria: Invitae Variant Classification Sherloc (09022015). Collection method: clinical testing. Allele origin: germline.
Comment: This variant is not present in population databases (gnomAD no frequency). This sequence change affects the initiator methionine of the PRF1 mRNA. The next in-frame methionine is located at codon 288. Disruption of the initiator codon has been observed in individual(s) with hemophagocytic lymphohistiocytosis (PMID: 12060139, 12716377, 26199792, 29095814). For these reasons, this variant has been classified as Pathogenic. ClinVar contains an entry for this variant (Variation ID: 1427863).

Literature cited by the submitters: PubMed 12060139; PubMed 12716377; PubMed 26199792; PubMed 29095814.

NM_001083116.3(PRF1):c.2T>C (p.Met1Thr)

Gene: PRF1 (perforin 1; minus strand). Cytogenetic location: 10q22.1.
Variant type: single nucleotide variant.
Coding change: c.2T>C on transcript NM_001083116.3 (MANE Select); coding-DNA position 2, T replaced by C.
Protein change: p.Met1Thr; changes the start codon (methionine 1).
Molecular consequence: missense variant, initiator codon variant.
Genome position (GRCh38, 1-based): chr10:70,600,901, A>G on the plus strand (T>C on the coding strand, the complement: PRF1 is on the minus strand). VCF-style: chr10-70600901-A-G. GRCh37 (hg19) VCF-style: chr10-72360657-A-G.
Other names: c.2T>C, p.Met1Thr (NM_005041.6); short protein forms M1T.
Identifiers: ClinVar variation 1427863 (VCV001427863.6), dbSNP rs2132478901, ClinGen allele CA376960282.